The following is an entry in ClinVar:

NM_001244710.2(GFPT1):c.501T>G (p.Asp167Glu)

Gene: GFPT1 (glutamine--fructose-6-phosphate transaminase 1; minus strand). Cytogenetic location: 2p13.3.
Variant type: single nucleotide variant.
Coding change: c.501T>G on transcript NM_001244710.2 (MANE Select); coding-DNA position 501, T replaced by G.
Protein change: p.Asp167Glu; replaces aspartic acid 167 with glutamic acid.
Molecular consequence: missense variant.
Genome position (GRCh38, 1-based): chr2:69,358,371, A>C on the plus strand (T>G on the coding strand, the complement: GFPT1 is on the minus strand). VCF-style: chr2-69358371-A-C. GRCh37 (hg19) VCF-style: chr2-69585503-A-C.
Other names: c.501T>G, p.Asp167Glu (NM_002056.4); short protein forms D167E.
Identifiers: ClinVar variation 1702610 (VCV001702610.2), dbSNP rs746801112, ClinGen allele CA1693866.

ClinVar aggregate classification (germline): Uncertain significance (1 of 4 stars; one submission).

Allele frequency attached by ClinVar (database versions not stated): gnomAD exomes below 0.00001; ExAC 0.00001; gnomAD 0.00001.
gnomAD v4.1: 6 of 1,612,356 alleles (0.00037%); highest among the groups gnomAD compares: African/African-American, 0.0027%; no homozygotes.

Submission:

GeneDx
Classification: Uncertain significance. Last evaluated: 2022-02-17. Review status: criteria provided, single submitter. Criteria: GeneDx Variant Classification Process June 2021. Collection method: clinical testing. Allele origin: germline. Affected: yes.
Comment: Not observed at significant frequency in large population cohorts (gnomAD); Missense variants in this gene are often considered pathogenic (HGMD); In silico analysis supports that this missense variant does not alter protein structure/function; Has not been previously published as pathogenic or benign to our knowledge